The following is an entry in ClinVar:

ClinVar aggregate classification (germline): Uncertain significance (1 of 4 stars; one submission).

Allele frequency attached by ClinVar (database versions not stated): ExAC 0.00001; gnomAD 0.00001.
gnomAD v4.1: 26 of 1,614,010 alleles (0.0016%); highest among the groups gnomAD compares: Non-Finnish European, 0.002%; no homozygotes.

Submission:

Labcorp Genetics (formerly Invitae), Labcorp
Classification: Uncertain significance. Last evaluated: 2022-06-29. Review status: criteria provided, single submitter. Criteria: Invitae Variant Classification Sherloc (09022015). Collection method: clinical testing. Allele origin: germline.
Comment: This sequence change replaces glutamic acid, which is acidic and polar, with lysine, which is basic and polar, at codon 192 of the GNPTG protein (p.Glu192Lys). This variant is not present in population databases (gnomAD no frequency). This variant has not been reported in the literature in individuals affected with GNPTG-related conditions. Algorithms developed to predict the effect of missense changes on protein structure and function are either unavailable or do not agree on the potential impact of this missense change (SIFT: "Deleterious"; PolyPhen-2: "Probably Damaging"; Align-GVGD: "Class C0"). Algorithms developed to predict the effect of sequence changes on RNA splicing suggest that this variant may create or strengthen a splice site. In summary, the available evidence is currently insufficient to determine the role of this variant in disease. Therefore, it has been classified as a Variant of Uncertain Significance.

NM_032520.5(GNPTG):c.574G>A (p.Glu192Lys)

Gene: GNPTG (N-acetylglucosamine-1-phosphate transferase subunit gamma; plus strand). Cytogenetic location: 16p13.3.
Variant type: single nucleotide variant.
Coding change: c.574G>A on transcript NM_032520.5 (MANE Select); coding-DNA position 574, G replaced by A.
Protein change: p.Glu192Lys; replaces glutamic acid 192 with lysine.
Molecular consequence: missense variant.
Genome position (GRCh38, 1-based): chr16:1,362,499, G>A. VCF-style: chr16-1362499-G-A. GRCh37 (hg19) VCF-style: chr16-1412500-G-A.
Other names: short protein forms E192K.
Identifiers: ClinVar variation 2201128 (VCV002201128.1), dbSNP rs749314645, ClinGen allele CA7807809.
Genomic context (GRCh38, chr16:1,362,499, plus strand): 5'-CTTGGGTCCTCAGTGTACCCAACCCTGCCAGAGGCCCTGCAGCGGCAGTGGGACCAGGTA[G>A]AGCAGGACCTGGCCGATGAGCTGATCACCCCCCAGGTAAGCGTGCGCTCGGGGTGGCCCC-3'
Protein context (NP_115909.1, residues 182-202): EALQRQWDQV[Glu192Lys]QDLADELITP